The following is an entry in ClinVar:

NM_138704.4(NSMCE3):c.373G>A (p.Asp125Asn)

Genes: ENTREP2 (endosomal transmembrane epsin interactor 2; minus strand), NSMCE3 (NSE3 homolog, SMC5-SMC6 complex component; minus strand). Cytogenetic location: 15q13.1.
Variant type: single nucleotide variant.
Coding change: c.373G>A on transcript NM_138704.4 (MANE Select); coding-DNA position 373, G replaced by A.
Protein change: p.Asp125Asn; replaces aspartic acid 125 with asparagine.
Molecular consequence: missense variant. On other transcripts: intron variant (5).
Genome position (GRCh38, 1-based): chr15:29,269,333, C>T on the plus strand (G>A on the coding strand, the complement: NSMCE3 is on the minus strand). VCF-style: chr15-29269333-C-T. GRCh37 (hg19) VCF-style: chr15-29561537-C-T.
Other names: c.-12-16855G>A (NM_001387217.1, NM_001387215.1, NM_001387216.1); c.277-16855G>A (NM_001387214.1, NM_015307.2); short protein forms D125N.
Identifiers: ClinVar variation 1396720 (VCV001396720.7), dbSNP rs1596144714, ClinGen allele CA391484375.

ClinVar aggregate classification (germline): Uncertain significance (1 of 4 stars; one submission).

Allele frequency attached by ClinVar (database versions not stated): TOPMed below 0.00001; gnomAD 0.00001; gnomAD exomes 0.00001.
gnomAD v4.1: 4 of 1,614,036 alleles (0.00025%); highest among the groups gnomAD compares: Non-Finnish European, 0.00034%; no homozygotes.

Submission:

Labcorp Genetics (formerly Invitae), Labcorp
Classification: Uncertain significance. Last evaluated: 2021-05-20. Review status: criteria provided, single submitter. Criteria: Invitae Variant Classification Sherloc (09022015). Collection method: clinical testing. Allele origin: germline.
Comment: This sequence change replaces aspartic acid with asparagine at codon 125 of the NSMCE3 protein (p.Asp125Asn). The aspartic acid residue is moderately conserved and there is a small physicochemical difference between aspartic acid and asparagine. This variant is not present in population databases (ExAC no frequency). This variant has not been reported in the literature in individuals with NSMCE3-related conditions. Algorithms developed to predict the effect of missense changes on protein structure and function output the following: SIFT: "Deleterious"; PolyPhen-2: "Benign"; Align-GVGD: "Class C0". The asparagine amino acid residue is found in multiple mammalian species, suggesting that this missense change does not adversely affect protein function. These predictions have not been confirmed by published functional studies and their clinical significance is uncertain. In summary, the available evidence is currently insufficient to determine the role of this variant in disease. Therefore, it has been classified as a Variant of Uncertain Significance.